The following is an entry in ClinVar:

ClinVar aggregate classification (germline): Uncertain significance. Review status: criteria provided, multiple submitters, no conflicts (2 of 4 stars). 2 submissions from 2 submitters: Uncertain significance (2). Last evaluated 2024-10-09.

gnomAD v4.1: 10 of 1,613,906 alleles (0.00062%); highest among the groups gnomAD compares: East Asian, 0.0022%; no homozygotes.

Submissions (2):

Quest Diagnostics Nichols Institute San Juan Capistrano
Classification: Uncertain significance. Last evaluated: 2024-10-09. Review status: criteria provided, single submitter. Criteria: Quest Diagnostics criteria. Collection method: clinical testing. Allele origin: unknown.
Comment: The VWF c.5776T>G (p.Ser1926Ala) variant has not been reported in individuals with VWF-related conditions in the published literature. The frequency of this variant in the general population, 0.000004 (1/250526 chromosomes (Genome Aggregation Database)), is uninformative in the assessment of its pathogenicity. Analysis of this variant using bioinformatics tools for the prediction of the effect of amino acid changes on protein structure and function yielded predictions that this variant is benign. Based on the available information, we are unable to determine the clinical significance of this variant.

Women's Health and Genetics/Laboratory Corporation of America, LabCorp
Classification: Uncertain significance. Last evaluated: 2024-08-07. Review status: criteria provided, single submitter. Criteria: LabCorp Variant Classification Summary - May 2015. Collection method: clinical testing. Allele origin: germline.
Comment: Variant summary: VWF c.5776T>G (p.Ser1926Ala) results in a conservative amino acid change in the encoded protein sequence. Five of five in-silico tools predict a benign effect of the variant on protein function. The variant allele was found at a frequency of 4e-06 in 250526 control chromosomes. The available data on variant occurrences in the general population are insufficient to allow any conclusion about variant significance. To our knowledge, no occurrence of c.5776T>G in individuals affected with Von Willebrand Disease and no experimental evidence demonstrating its impact on protein function have been reported. No submitters have cited clinical-significance assessments for this variant to ClinVar. Based on the evidence outlined above, the variant was classified as uncertain significance.

NM_000552.5(VWF):c.5776T>G (p.Ser1926Ala)

Gene: VWF (von Willebrand factor; minus strand). Cytogenetic location: 12p13.31.
Variant type: single nucleotide variant.
Coding change: c.5776T>G on transcript NM_000552.5 (MANE Select); coding-DNA position 5776, T replaced by G.
Protein change: p.Ser1926Ala; replaces serine 1926 with alanine.
Molecular consequence: missense variant.
Genome position (GRCh38, 1-based): chr12:6,011,683, A>C on the plus strand (T>G on the coding strand, the complement: VWF is on the minus strand). VCF-style: chr12-6011683-A-C. GRCh37 (hg19) VCF-style: chr12-6120849-A-C.
Other names: c.5776T>G (NM_000552.4); short protein forms S1926A.
Identifiers: ClinVar variation 3366427 (VCV003366427.2).